The following is an entry in ClinVar:

NM_003384.3(VRK1):c.788A>G (p.Asp263Gly)

Gene: VRK1 (VRK serine/threonine kinase 1; plus strand). Cytogenetic location: 14q32.2.
Variant type: single nucleotide variant.
Coding change: c.788A>G on transcript NM_003384.3 (MANE Select); coding-DNA position 788, A replaced by G.
Protein change: p.Asp263Gly; replaces aspartic acid 263 with glycine.
Molecular consequence: missense variant.
Genome position (GRCh38, 1-based): chr14:96,856,208, A>G. VCF-style: chr14-96856208-A-G. GRCh37 (hg19) VCF-style: chr14-97322545-A-G.
Other names: short protein forms D263G.
Identifiers: ClinVar variation 996133 (VCV000996133.6), dbSNP rs1428656431, ClinGen allele CA390931532.

ClinVar aggregate classification (germline): Pathogenic/Likely pathogenic. Review status: criteria provided, multiple submitters, no conflicts (2 of 4 stars). 3 submissions from 3 submitters: Pathogenic (1); Likely pathogenic (1). 1 of the submissions does not count toward it. Last evaluated 2025-01-08.

Conditions:
Pontocerebellar hypoplasia type 1A (PCH1A). Also called: PONTOCEREBELLAR HYPOPLASIA WITH ANTERIOR HORN CELL DISEASE; PONTOCEREBELLAR HYPOPLASIA WITH INFANTILE SPINAL MUSCULAR ATROPHY. Identifiers: Orphanet 2254, Orphanet 88616, MedGen C1843504, MONDO:0011866, OMIM 607596.

Allele frequency attached by ClinVar (database versions not stated): gnomAD exomes below 0.00001; TOPMed below 0.00001.
gnomAD v4.1: 2 of 1,613,728 alleles (0.00012%); highest among the groups gnomAD compares: African/African-American, 0.0027%; no homozygotes.

Submissions (3):

Myriad Genetics, Inc.
Classification: Likely pathogenic for Pontocerebellar hypoplasia type 1A. Last evaluated: 2025-01-08. Review status: criteria provided, single submitter. Criteria: Myriad Autosomal Dominant, Autosomal Recessive and X-Linked Classification Criteria (2023). Collection method: clinical testing. Allele origin: unknown.
Comment: NM_003384.2(VRK1):c.788A>G(D263G) is a missense variant classified as likely pathogenic in the context of pontocerebellar hypoplasia, VRK1-related. D263G has been observed in cases with relevant disease (PMID: 34504951, 34983064). Relevant functional assessments of this variant are available in the literature (PMID: 34504951). D263G has been observed in referenced population frequency databases. In summary, NM_003384.2(VRK1):c.788A>G(D263G) is a missense variant that has functional support for pathogenicity and has been observed more frequently in cases with the relevant disease than in healthy populations. Please note: this variant was assessed in the context of healthy population screening.

Paris Brain Institute, Inserm - ICM
Classification: Pathogenic for Pontocerebellar hypoplasia type 1A. Review status: criteria provided, single submitter. Criteria: ACMG Guidelines, 2015. Collection method: clinical testing. Allele origin: unknown. Affected: yes. Observed: 1 variant allele.

Groupe Hospitalier Pitie Salpetriere, Uf Genomique Du Developpement, Assistance Publique Hopitaux de Paris Sorbonne Université
Classification: Likely pathogenic for Pontocerebellar hypoplasia type 1A. Review status: no assertion criteria provided. Collection method: clinical testing. Allele origin: inherited. Inheritance: Autosomal recessive inheritance. Affected: yes. Observed: 1 variant allele, 1 homozygote. Not counted in ClinVar's aggregate classification.

Literature cited by the submitters: PubMed 34504951 (cited by Myriad Genetics, Inc.); PubMed 34983064 (cited by Myriad Genetics, Inc.).